The following is an entry in ClinVar:

ClinVar aggregate classification (germline): Uncertain significance (1 of 4 stars; one submission).

Conditions:
Familial isolated arrhythmogenic right ventricular dysplasia. Identifiers: Orphanet 217656, MedGen C4274968, MONDO:0016342.

Submission:

All of Us Research Program, National Institutes of Health
Classification: Uncertain significance for Familial isolated arrhythmogenic right ventricular dysplasia. Last evaluated: 2023-05-04. Review status: criteria provided, single submitter. Criteria: ACMG Guidelines, 2015. Collection method: clinical testing. Allele origin: germline. Inheritance: Autosomal dominant inheritance. Observed: 1 variant allele, 1 heterozygote.
Comment: This missense variant replaces valine with isoleucine at codon 529 of the DSC2 protein. Computational prediction suggests that this variant may not impact protein structure and function (internally defined REVEL score threshold <= 0.5, PMID: 27666373). To our knowledge, functional studies have not been reported for this variant. This variant has not been reported in individuals affected with DSC2-related disorders in the literature. This variant has not been identified in the general population by the Genome Aggregation Database (gnomAD). The available evidence is insufficient to determine the role of this variant in disease conclusively. Therefore, this variant is classified as a Variant of Uncertain Significance.

This study involves interpretation of variants in research participants for the purpose of population health screening. Participant phenotype was not available at the time of variant classification. Additional details can be found in publication PMID: 35346344, PMCID: PMC8962531

NM_024422.6(DSC2):c.1585G>A (p.Val529Ile)

Gene: DSC2 (desmocollin 2; minus strand). Cytogenetic location: 18q12.1.
Variant type: single nucleotide variant.
Coding change: c.1585G>A on transcript NM_024422.6 (MANE Select); coding-DNA position 1585, G replaced by A.
Protein change: p.Val529Ile; replaces valine 529 with isoleucine.
Molecular consequence: missense variant.
Genome position (GRCh38, 1-based): chr18:31,079,925, C>T on the plus strand (G>A on the coding strand, the complement: DSC2 is on the minus strand). VCF-style: chr18-31079925-C-T. GRCh37 (hg19) VCF-style: chr18-28659891-C-T.
Other names: c.1156G>A, p.Val386Ile (NM_001406506.1, NM_001406507.1); c.1585G>A, p.Val529Ile (NM_004949.5); short protein forms V386I, V529I.
Identifiers: ClinVar variation 3070866 (VCV003070866.1), dbSNP rs2510946621, ClinGen allele CA402108032.